The following is an entry in ClinVar:

ClinVar aggregate classification (germline): Uncertain significance (1 of 4 stars; one submission).

Conditions:
SIM1-related disorder. Also called: SIM1-related disorders; SIM1-related condition.

Submission:

PreventionGenetics, part of Exact Sciences
Classification: Uncertain significance for SIM1-related condition. Last evaluated: 2026-03-20. Review status: criteria provided, single submitter. Criteria: ACMG Guidelines, 2015. Collection method: clinical testing. Allele origin: germline.
Comment: The SIM1 c.1121G>A variant is predicted to result in the amino acid substitution p.Arg374Gln. This variant has been reported in an individual with obesity; however, it was reported to be inherited by the unaffected father (Table S1, Kleinendorst et al. 2018. PubMed ID: 29970488). This variant is reported in 0.0029% of alleles in individuals of Latino descent in gnomAD. At this time, the clinical significance of this variant is uncertain due to the absence of conclusive functional and genetic evidence.

NM_005068.3(SIM1):c.1121G>A (p.Arg374Gln)

Genes: SIM1 (SIM bHLH transcription factor 1; minus strand), SIM1-AS1 (SIM1 antisense RNA 1; plus strand). Cytogenetic location: 6q16.3.
Variant type: single nucleotide variant.
Coding change: c.1121G>A on transcript NM_005068.3 (MANE Select); coding-DNA position 1121, G replaced by A.
Protein change: p.Arg374Gln; replaces arginine 374 with glutamine.
Molecular consequence: missense variant.
Genome position (GRCh38, 1-based): chr6:100,420,836, C>T on the plus strand (G>A on the coding strand, the complement: SIM1 is on the minus strand). VCF-style: chr6-100420836-C-T. GRCh37 (hg19) VCF-style: chr6-100868712-C-T.
Other names: c.1121G>A, p.Arg374Gln (NM_001374769.1); short protein forms R374Q.
Identifiers: ClinVar variation 4984791 (VCV004984791.1).
Genomic context (GRCh38, chr6:100,420,836, plus strand): 5'-AGCAATGCACTTACCTGAGGGTATGGGGAAGTCCTGGATTTTGACTTTGAGCTGGAGAGC[C>T]GGGATTTGGCCCCCTTTCTGTTGTCAGTCATGGTGGGGGTGGAGCTGCTGGTATAGGAGA-3'
Protein context (NP_005059.2, residues 364-384): MTDNRKGAKS[Arg374Gln]LSSSKSKSRT